The following is an entry in ClinVar:

ClinVar aggregate classification (germline): Pathogenic (1 of 4 stars; one submission).

Conditions:
Retinitis pigmentosa 25 (RP25). Identifiers: Orphanet 791, MedGen C1864446, MONDO:0011272, OMIM 602772.

Submission:

Myriad Genetics, Inc.
Classification: Pathogenic for Retinitis pigmentosa 25. Last evaluated: 2026-05-19. Review status: criteria provided, single submitter. Criteria: Myriad Autosomal Dominant, Autosomal Recessive and X-Linked Classification Criteria (2023). Collection method: clinical testing. Allele origin: unknown.
Comment: NM_001142800.1(EYS):c.1905T>A(Y635*) is expected to be pathogenic in the context of retinitis pigmentosa, EYS-related. This variant is predicted to lead to an abnormal or absent protein product due to the creation of a premature termination codon in EYS, a gene where loss-of-function variants are known to be pathogenic. Please note: this variant was assessed in the context of healthy population screening.

NM_001142800.2(EYS):c.1905T>A (p.Tyr635Ter)

Gene: EYS (EGF-like photoreceptor maintenance factor; minus strand). Cytogenetic location: 6q12.
Variant type: single nucleotide variant.
Coding change: c.1905T>A on transcript NM_001142800.2 (MANE Select); coding-DNA position 1905, T replaced by A.
Protein change: p.Tyr635Ter; replaces tyrosine 635 with a stop codon.
Molecular consequence: nonsense.
Genome position (GRCh38, 1-based): chr6:65,295,981, A>T on the plus strand (T>A on the coding strand, the complement: EYS is on the minus strand). VCF-style: chr6-65295981-A-T. GRCh37 (hg19) VCF-style: chr6-66005874-A-T.
Other names: c.1905T>A, p.Tyr635Ter (NM_001292009.2); short protein forms Y635*.
Identifiers: ClinVar variation 5015932 (VCV005015932.1).